The following is an entry in ClinVar:

ClinVar aggregate classification (germline): Uncertain significance (1 of 4 stars; one submission).

Allele frequency attached by ClinVar (database versions not stated): ExAC 0.00001; gnomAD exomes 0.00001; gnomAD 0.00003.
gnomAD v4.1: 22 of 1,613,454 alleles (0.0014%); highest among the groups gnomAD compares: South Asian, 0.012%; no homozygotes.

Submission:

Labcorp Genetics (formerly Invitae), Labcorp
Classification: Uncertain significance. Last evaluated: 2023-08-10. Review status: criteria provided, single submitter. Criteria: Invitae Variant Classification Sherloc (09022015). Collection method: clinical testing. Allele origin: germline.
Comment: This sequence change replaces alanine, which is neutral and non-polar, with valine, which is neutral and non-polar, at codon 315 of the GLYCTK protein (p.Ala315Val). In summary, the available evidence is currently insufficient to determine the role of this variant in disease. Therefore, it has been classified as a Variant of Uncertain Significance. Advanced modeling of protein sequence and biophysical properties (such as structural, functional, and spatial information, amino acid conservation, physicochemical variation, residue mobility, and thermodynamic stability) performed at Invitae indicates that this missense variant is not expected to disrupt GLYCTK protein function. ClinVar contains an entry for this variant (Variation ID: 2194459). This variant has not been reported in the literature in individuals affected with GLYCTK-related conditions. This variant is present in population databases (rs762416091, gnomAD 0.007%).

NM_145262.4(GLYCTK):c.944C>T (p.Ala315Val)

Gene: GLYCTK (glycerate kinase; plus strand). Cytogenetic location: 3p21.2.
Variant type: single nucleotide variant.
Coding change: c.944C>T on transcript NM_145262.4 (MANE Select); coding-DNA position 944, C replaced by T.
Protein change: p.Ala315Val; replaces alanine 315 with valine.
Molecular consequence: missense variant. On other transcripts: non-coding transcript variant (3), 3 prime UTR variant (1).
Genome position (GRCh38, 1-based): chr3:52,292,498, C>T. VCF-style: chr3-52292498-C-T. GRCh37 (hg19) VCF-style: chr3-52326514-C-T.
Other names: c.*63C>T (NM_001144951.2); short protein forms A315V.
Identifiers: ClinVar variation 2194459 (VCV002194459.4), dbSNP rs762416091, ClinGen allele CA2432221.
Genomic context (GRCh38, chr3:52,292,498, plus strand): 5'-CCCATGGGCCACACACCTGTGGCCATGTCCTGAATGTGATCATTGGCTCTAATGTGCTGG[C>T]GCTAGCTGAGGCCCAGCGGCAGGCCGAGGCACTGGGCTACCAGGCTGTGGTGCTGAGTGC-3'
Protein context (NP_660305.2, residues 305-325): LNVIIGSNVL[Ala315Val]LAEAQRQAEA